The following is an entry in ClinVar:

ClinVar aggregate classification (germline): Uncertain significance (1 of 4 stars; one submission).

Allele frequency attached by ClinVar (database versions not stated): gnomAD exomes 0.00001; TOPMed 0.00001.
gnomAD v4.1: 9 of 1,529,034 alleles (0.00059%); highest among the groups gnomAD compares: Admixed American, 0.016%; no homozygotes.

Submission:

Labcorp Genetics (formerly Invitae), Labcorp
Classification: Uncertain significance. Last evaluated: 2025-10-01. Review status: criteria provided, single submitter. Criteria: Invitae Variant Classification Sherloc (09022015). Collection method: clinical testing. Allele origin: germline.
Comment: This sequence change falls in intron 1 of the BOLA3 gene. It does not directly change the encoded amino acid sequence of the BOLA3 protein. It affects a nucleotide within the consensus splice site. This variant is present in population databases (no rsID available, gnomAD 0.03%). This variant has not been reported in the literature in individuals affected with BOLA3-related conditions. ClinVar contains an entry for this variant (Variation ID: 1914534). Variants that disrupt the consensus splice site are a relatively common cause of aberrant splicing (PMID: 17576681, 9536098). Algorithms developed to predict the effect of sequence changes on RNA splicing suggest that this variant is not likely to affect RNA splicing. In summary, the available evidence is currently insufficient to determine the role of this variant in disease. Therefore, it has been classified as a Variant of Uncertain Significance.

Literature cited by the submitters: PubMed 17576681; PubMed 9536098.

NM_212552.3(BOLA3):c.54+3G>A

Gene: BOLA3 (bolA family member 3; minus strand). Cytogenetic location: 2p13.1.
Variant type: single nucleotide variant.
Coding change: c.54+3G>A on transcript NM_212552.3 (MANE Select); 3 bases into the intron after coding-DNA position 54, G replaced by A.
Molecular consequence: intron variant.
Genome position (GRCh38, 1-based): chr2:74,147,818, C>T on the plus strand (G>A on the coding strand, the complement: BOLA3 is on the minus strand). VCF-style: chr2-74147818-C-T. GRCh37 (hg19) VCF-style: chr2-74374945-C-T.
Other names: c.54+3G>A (NM_001035505.2).
Identifiers: ClinVar variation 1914534 (VCV001914534.3), dbSNP rs923189776, ClinGen allele CA50436001.
Genomic context (GRCh38, chr2:74,147,818, plus strand): 5'-GCCCCGCGGTCCCTCCGCAGCTCCCGTCCCGGGGAGAGCAGCCCCGACCCTGCCCACGCT[C>T]ACCCCGCGGATCCCGCGGAGGAGAGGCGCTGCCGCGGCCGGGCTCCATGCAGCCATGCCC-3'